The following is an entry in ClinVar:

ClinVar aggregate classification (germline): Pathogenic/Likely pathogenic. Review status: criteria provided, multiple submitters, no conflicts (2 of 4 stars). 2 submissions from 2 submitters: Pathogenic (1); Likely pathogenic (1). Last evaluated 2021-11-30.

Conditions:
Androgen resistance syndrome (AIS). Also called: ANDROGEN RECEPTOR DEFICIENCY; DIHYDROTESTOSTERONE RECEPTOR DEFICIENCY; TESTICULAR FEMINIZATION SYNDROME; Androgen insensitivity syndrome; Androgen insensitivity, complete; DHTR DEFICIENCY. Identifiers: Orphanet 754, Orphanet 99429, MedGen C0039585, MONDO:0019154, OMIM 300068. Disease mechanism: loss of function.
Kennedy disease (SMAX1). Also called: KENNEDY SPINAL AND BULBAR MUSCULAR ATROPHY; Spinal and Bulbar Muscular Atrophy; SPINAL AND BULBAR MUSCULAR ATROPHY, X-LINKED 1. Identifiers: Orphanet 481, MedGen C1839259, MONDO:0010735, OMIM 313200.

Submissions (2):

Labcorp Genetics (formerly Invitae), Labcorp
Classification: Likely pathogenic for Kennedy disease; Androgen resistance syndrome. Last evaluated: 2021-11-30. Review status: criteria provided, single submitter. Criteria: Invitae Variant Classification Sherloc (09022015). Collection method: clinical testing. Allele origin: germline.
Comment: This variant is not present in population databases (gnomAD no frequency). This sequence change replaces methionine, which is neutral and non-polar, with threonine, which is neutral and polar, at codon 746 of the AR protein (p.Met746Thr). This missense change has been observed in individuals with clinical features of AR-related conditions (PMID: 7970939, 28624954, 31373714; Invitae). In summary, the currently available evidence indicates that the variant is pathogenic, but additional data are needed to prove that conclusively. Therefore, this variant has been classified as Likely Pathogenic. This variant disrupts the p.Met746 amino acid residue in AR. Other variant(s) that disrupt this residue have been observed in individuals with AR-related conditions (PMID: 15925895, 20150575), which suggests that this may be a clinically significant amino acid residue. Algorithms developed to predict the effect of missense changes on protein structure and function are either unavailable or do not agree on the potential impact of this missense change (SIFT: "Tolerated"; PolyPhen-2: "Probably Damaging"; Align-GVGD: "Class C0"). ClinVar contains an entry for this variant (Variation ID: 1065434). This variant is also known as Met736Thr or c.3348 T > C (M745T).

Genomic Medicine Lab, University of California San Francisco
Classification: Pathogenic for Androgen resistance syndrome. Last evaluated: 2020-03-26. Review status: criteria provided, single submitter. Criteria: ACMG Guidelines, 2015. Collection method: clinical testing. Allele origin: maternal. Inheritance: X-linked inheritance. Affected: yes. Study: CSER-P3EGS.

Literature cited by the submitters: PubMed 7970939 (cited by Labcorp Genetics (formerly Invitae), Labcorp); PubMed 28624954 (cited by Labcorp Genetics (formerly Invitae), Labcorp); PubMed 31373714 (cited by Labcorp Genetics (formerly Invitae), Labcorp); PubMed 15925895 (cited by Labcorp Genetics (formerly Invitae), Labcorp); PubMed 20150575 (cited by Labcorp Genetics (formerly Invitae), Labcorp).

NM_000044.6(AR):c.2237T>C (p.Met746Thr)

Gene: AR (androgen receptor; plus strand). Cytogenetic location: Xq12.
Variant type: single nucleotide variant.
Coding change: c.2237T>C on transcript NM_000044.6 (MANE Select); coding-DNA position 2237, T replaced by C.
Protein change: p.Met746Thr; replaces methionine 746 with threonine.
Molecular consequence: missense variant.
Genome position (GRCh38, 1-based): chrX:67,717,541, T>C. VCF-style: chrX-67717541-T-C. GRCh37 (hg19) VCF-style: chrX-66937383-T-C.
Other names: c.641T>C, p.Met214Thr (NM_001011645.3); short protein forms M214T, M746T.
Identifiers: ClinVar variation 1065434 (VCV001065434.7), dbSNP rs2147530857, ClinGen allele CA413424588.